The following is an entry in ClinVar:

NM_001378418.1(TCF20):c.940C>T (p.Gln314Ter)

Gene: TCF20 (transcription factor 20; minus strand). Cytogenetic location: 22q13.2.
Variant type: single nucleotide variant.
Coding change: c.940C>T on transcript NM_001378418.1 (MANE Select); coding-DNA position 940, C replaced by T.
Protein change: p.Gln314Ter; replaces glutamine 314 with a stop codon.
Molecular consequence: nonsense.
Genome position (GRCh38, 1-based): chr22:42,214,366, G>A on the plus strand (C>T on the coding strand, the complement: TCF20 is on the minus strand). VCF-style: chr22-42214366-G-A. GRCh37 (hg19) VCF-style: chr22-42610372-G-A.
Other names: c.940C>T, p.Gln314Ter (NM_005650.4, NM_181492.3); short protein forms Q314*.
Identifiers: ClinVar variation 3966448 (VCV003966448.1).

ClinVar aggregate classification (germline): Pathogenic (1 of 4 stars; one submission).

Conditions:
Inborn genetic diseases. Identifiers: MedGen C0950123, MeSH D030342.

Submission:

Ambry Genetics
Classification: Pathogenic for Inborn genetic diseases. Last evaluated: 2025-03-24. Review status: criteria provided, single submitter. Criteria: Ambry Variant Classification Scheme 2023. Collection method: clinical testing. Allele origin: germline.
Comment: The c.940C>T (p.Q314*) alteration, located in exon 1 (coding exon 1) of the TCF20 gene, consists of a C to T substitution at nucleotide position 940. This changes the amino acid from a glutamine (Q) to a stop codon at amino acid position 314. This alteration is expected to result in loss of function by premature protein truncation or nonsense-mediated mRNA decay. This variant was not reported in population-based cohorts in the Genome Aggregation Database (gnomAD). Based on the available evidence, this alteration is classified as pathogenic.